The following is an entry in ClinVar:

ClinVar aggregate classification (germline): Likely benign (1 of 4 stars; one submission).

Conditions:
Hypomagnesemia, seizures, and impaired intellectual development 2. Also called: Hypomagnesemia, seizures, and intellectual disability 2. Identifiers: MedGen C5193023, MONDO:0020788, OMIM 618314.

Submission:

Centre for Medical Genetics,  Mumbai
Classification: Likely benign for Hypomagnesemia, seizures, and impaired intellectual development 2. Last evaluated: 2026-05-13. Review status: criteria provided, single submitter. Criteria: ACMG Guidelines, 2015. Collection method: provider interpretation. Allele origin: germline. Inheritance: Autosomal dominant inheritance. Affected: no. Observed: 1 variant allele, 1 heterozygote.
Comment: The variant satisfies PM2 criteria - extremely low frequency in gnomAD population databases. The variant satisfies BP4 criteria - for a missense or a splice region variant, computational prediction tools unanimously support a benign effect on the gene. However, the variant satisfies BS2 criteria - present in heterozygous state in an individual that clinically does not have hypomagnesemia or seizures.

Literature cited by the submitters: PubMed 30388404.

NM_000701.8(ATP1A1):c.3045C>A (p.Gly1015=)

Genes: ATP1A1 (ATPase Na+/K+ transporting subunit alpha 1; plus strand), ATP1A1-AS1 (ATP1A1 antisense RNA 1; minus strand). Cytogenetic location: 1p13.1.
Variant type: single nucleotide variant.
Coding change: c.3045C>A on transcript NM_000701.8 (MANE Select); coding-DNA position 3045, C replaced by A.
Protein change: p.Gly1015=; no amino-acid change (glycine 1015 retained).
Molecular consequence: synonymous variant.
Genome position (GRCh38, 1-based): chr1:116,404,417, C>A. VCF-style: chr1-116404417-C-A. GRCh37 (hg19) VCF-style: chr1-116947039-C-A.
Other names: c.3045C>A, p.Gly1015= (NM_001160233.2); c.2952C>A, p.Gly984= (NM_001160234.2).
Identifiers: ClinVar variation 4852308 (VCV004852308.1).